The following is an entry in ClinVar:

NM_000257.4(MYH7):c.5190G>T (p.Met1730Ile)

Genes: MHRT (myosin heavy chain associated RNA transcript; plus strand), MYH7 (myosin heavy chain 7; minus strand), LOC126861897 (BRD4-independent group 4 enhancer GRCh37_chr14:23884455-23885654; plus strand). Cytogenetic location: 14q11.2.
Variant type: single nucleotide variant.
Coding change: c.5190G>T on transcript NM_000257.4 (MANE Select); coding-DNA position 5190, G replaced by T.
Protein change: p.Met1730Ile; replaces methionine 1730 with isoleucine.
Molecular consequence: missense variant. On other transcripts: non-coding transcript variant (1).
Genome position (GRCh38, 1-based): chr14:23,415,474, C>A on the plus strand (G>T on the coding strand, the complement: MYH7 is on the minus strand). VCF-style: chr14-23415474-C-A. GRCh37 (hg19) VCF-style: chr14-23884683-C-A.
Other names: short protein forms M1730I.
Identifiers: ClinVar variation 617741 (VCV000617741.4), dbSNP rs1566522989, ClinGen allele CA389036754.

ClinVar aggregate classification (germline): Uncertain significance. Review status: criteria provided, multiple submitters, no conflicts (2 of 4 stars). 2 submissions from 2 submitters: Uncertain significance (2). Last evaluated 2024-02-08.

Conditions:
Atrial fibrillation. Identifiers: MedGen C0004238, MONDO:0004981, HP:0005110.
Atrial flutter. Also called: Atrial flutter (disease). Identifiers: MedGen C0004239, MONDO:0005310, HP:0004749.
Tachycardia. Identifiers: MedGen C0039231, HP:0001649.
Abnormal morphology of left ventricular trabeculae. Identifiers: MedGen C4531288, HP:0031192.
Hypertrophic cardiomyopathy. Also called: HYPERTROPHIC MYOCARDIOPATHY. Identifiers: Orphanet 217569, MedGen C0007194, MeSH D002312, MONDO:0005045, HP:0001639.

Submissions (2):

Labcorp Genetics (formerly Invitae), Labcorp
Classification: Uncertain significance for Hypertrophic cardiomyopathy. Last evaluated: 2024-02-08. Review status: criteria provided, single submitter. Criteria: Invitae Variant Classification Sherloc (09022015). Collection method: clinical testing. Allele origin: germline.
Comment: This sequence change replaces methionine, which is neutral and non-polar, with isoleucine, which is neutral and non-polar, at codon 1730 of the MYH7 protein (p.Met1730Ile). This variant is not present in population databases (gnomAD no frequency). This variant has not been reported in the literature in individuals affected with MYH7-related conditions. ClinVar contains an entry for this variant (Variation ID: 617741). Advanced modeling of protein sequence and biophysical properties (such as structural, functional, and spatial information, amino acid conservation, physicochemical variation, residue mobility, and thermodynamic stability) performed at Invitae indicates that this missense variant is not expected to disrupt MYH7 protein function with a negative predictive value of 95%. In summary, the available evidence is currently insufficient to determine the role of this variant in disease. Therefore, it has been classified as a Variant of Uncertain Significance.

Petrovsky National Research Centre of Surgery, The Federal Agency for Scientific Organizations
Classification: Uncertain significance for Abnormal morphology of left ventricular trabeculae; Atrial fibrillation; Tachycardia; Atrial flutter. Last evaluated: 2018-12-03. Review status: criteria provided, single submitter. Criteria: ACMG Guidelines, 2015. Collection method: research. Allele origin: unknown. Inheritance: Autosomal dominant inheritance. Affected: yes. Observed: 1 heterozygote.
Comment: No DNA samples were available for family screening. Online prediction tools classify the p.M1730I variant as disease causing. However, with no functional or family studies available, p.M1730I variant can only be classified as variant with unknown clinical significance.